The following is an entry in ClinVar:

NM_213595.4(ISCU):c.382_383delinsCT (p.Glu128Leu)

Gene: ISCU (iron-sulfur cluster assembly enzyme; plus strand). Cytogenetic location: 12q23.3.
Variant type: Indel.
Coding change: c.382_383delinsCT on transcript NM_213595.4 (MANE Select); coding-DNA positions 382 to 383, GA replaced by CT.
Protein change: p.Glu128Leu; replaces glutamic acid 128 with leucine.
Molecular consequence: missense variant. On other transcripts: non-coding transcript variant (1).
Genome position (GRCh38, 1-based): chr12:108,567,232-108,567,233, GA replaced by CT. VCF-style: chr12-108567232-GA-CT. GRCh37 (hg19) VCF-style: chr12-108961008-GA-CT.
Other names: c.382_383delinsCT, p.Glu128Leu (NM_001301140.1, NM_001301141.1, NM_001320042.1); c.307_308delinsCT, p.Glu103Leu (NM_014301.4); short protein forms E103L, E128L.
Identifiers: ClinVar variation 1446521 (VCV001446521.5), dbSNP rs2136719024, ClinGen allele CA2573147920.

ClinVar aggregate classification (germline): Uncertain significance (1 of 4 stars; one submission).

Submission:

Labcorp Genetics (formerly Invitae), Labcorp
Classification: Uncertain significance. Last evaluated: 2021-03-01. Review status: criteria provided, single submitter. Criteria: Invitae Variant Classification Sherloc (09022015). Collection method: clinical testing. Allele origin: germline.
Comment: Algorithms developed to predict the effect of missense changes on protein structure and function are either unavailable or do not agree on the potential impact of this missense change (SIFT: "Not Available"; PolyPhen-2: "Probably Damaging"; Align-GVGD: "Not Available"). In summary, the available evidence is currently insufficient to determine the role of this variant in disease. Therefore, it has been classified as a Variant of Uncertain Significance. This variant has not been reported in the literature in individuals with ISCU-related conditions. This sequence change replaces glutamic acid with leucine at codon 128 of the ISCU protein (p.Glu128Leu). The glutamic acid residue is highly conserved and there is a moderate physicochemical difference between glutamic acid and leucine. The frequency data for this variant in the population databases is not available, as this variant may be reported as separate entries in the ExAC database.